The following is an entry in ClinVar:

NM_001378120.1(MBD5):c.3791G>T (p.Arg1264Ile)

Gene: MBD5 (methyl-CpG binding domain protein 5; plus strand). Cytogenetic location: 2q23.1.
Variant type: single nucleotide variant.
Coding change: c.3791G>T on transcript NM_001378120.1 (MANE Select); coding-DNA position 3791, G replaced by T.
Protein change: p.Arg1264Ile; replaces arginine 1264 with isoleucine.
Molecular consequence: missense variant.
Genome position (GRCh38, 1-based): chr2:148,489,423, G>T. VCF-style: chr2-148489423-G-T. GRCh37 (hg19) VCF-style: chr2-149246992-G-T.
Other names: c.3092G>T, p.Arg1031Ile (NM_018328.5); short protein forms R1031I, R1264I.
Identifiers: ClinVar variation 435825 (VCV000435825.15), dbSNP rs1553520435, ClinGen allele CA348724982.

ClinVar aggregate classification (germline): Uncertain significance. Review status: criteria provided, multiple submitters, no conflicts (2 of 4 stars). 3 submissions from 3 submitters: Uncertain significance (3). Last evaluated 2023-10-28.

Conditions:
Intellectual developmental disorder, autosomal dominant 1. Also called: MBD5 Haploinsufficiency; Intellectual disability, autosomal dominant 1. Identifiers: Orphanet 228402, MedGen C1969562, MONDO:0007974, OMIM 156200.

Allele frequency attached by ClinVar (database versions not stated): TOPMed below 0.00001; gnomAD 0.00001.
gnomAD v4.1: 5 of 1,613,932 alleles (0.00031%); highest among the groups gnomAD compares: Non-Finnish European, 0.00042%; no homozygotes.

Submissions (3):

Labcorp Genetics (formerly Invitae), Labcorp
Classification: Uncertain significance for Intellectual developmental disorder, autosomal dominant 1. Last evaluated: 2023-10-28. Review status: criteria provided, single submitter. Criteria: Invitae Variant Classification Sherloc (09022015). Collection method: clinical testing. Allele origin: germline.
Comment: This sequence change replaces arginine, which is basic and polar, with isoleucine, which is neutral and non-polar, at codon 1031 of the MBD5 protein (p.Arg1031Ile). This variant is not present in population databases (gnomAD no frequency). This variant has not been reported in the literature in individuals affected with MBD5-related conditions. ClinVar contains an entry for this variant (Variation ID: 435825). Advanced modeling of protein sequence and biophysical properties (such as structural, functional, and spatial information, amino acid conservation, physicochemical variation, residue mobility, and thermodynamic stability) performed at Invitae indicates that this missense variant is not expected to disrupt MBD5 protein function with a negative predictive value of 80%. In summary, the available evidence is currently insufficient to determine the role of this variant in disease. Therefore, it has been classified as a Variant of Uncertain Significance.

Blueprint Genetics
Classification: Uncertain significance. Last evaluated: 2019-12-31. Review status: criteria provided, single submitter. Criteria: ACMG Guidelines, 2015. Collection method: clinical testing. Allele origin: germline.

Genetic Services Laboratory, University of Chicago
Classification: Uncertain significance. Last evaluated: 2015-09-08. Review status: criteria provided, single submitter. Criteria: ACMG Guidelines, 2015. Collection method: clinical testing. Allele origin: germline. Affected: no.